The following is an entry in ClinVar:

NM_000302.4(PLOD1):c.823C>T (p.Arg275Cys)

Gene: PLOD1 (procollagen-lysine,2-oxoglutarate 5-dioxygenase 1; plus strand). Cytogenetic location: 1p36.22.
Variant type: single nucleotide variant.
Coding change: c.823C>T on transcript NM_000302.4 (MANE Select); coding-DNA position 823, C replaced by T.
Protein change: p.Arg275Cys; replaces arginine 275 with cysteine.
Molecular consequence: missense variant.
Genome position (GRCh38, 1-based): chr1:11,957,923, C>T. VCF-style: chr1-11957923-C-T. GRCh37 (hg19) VCF-style: chr1-12017980-C-T.
Other names: c.964C>T, p.Arg322Cys (NM_001316320.2); short protein forms R275C, R322C.
Identifiers: ClinVar variation 1762579 (VCV001762579.5), dbSNP rs775565324, ClinGen allele CA18003243.

ClinVar aggregate classification (germline): Uncertain significance. Review status: criteria provided, multiple submitters, no conflicts (2 of 4 stars). 2 submissions from 2 submitters: Uncertain significance (2). Last evaluated 2025-11-15.

Conditions:
Familial thoracic aortic aneurysm and aortic dissection (TAAD). Also called: Thoracic aortic aneurysms and dissections. Identifiers: Orphanet 91387, MedGen C4707243, MONDO:0019625.

Allele frequency attached by ClinVar (database versions not stated): gnomAD exomes 0.00001; gnomAD 0.00002; TOPMed 0.00006.
gnomAD v4.1: 21 of 1,612,920 alleles (0.0013%); highest among the groups gnomAD compares: African/African-American, 0.004%; no homozygotes.

Submissions (2):

Ambry Genetics
Classification: Uncertain significance for Familial thoracic aortic aneurysm and aortic dissection. Last evaluated: 2025-11-15. Review status: criteria provided, single submitter. Criteria: Ambry Variant Classification Scheme 2023. Collection method: clinical testing. Allele origin: germline.
Comment: The p.R275C variant (also known as c.823C>T), located in coding exon 8 of the PLOD1 gene, results from a C to T substitution at nucleotide position 823. The arginine at codon 275 is replaced by cysteine, an amino acid with highly dissimilar properties. This amino acid position is conserved. In addition, the in silico prediction for this alteration is inconclusive. Since supporting evidence is limited at this time, the clinical significance of this alteration remains unclear.

GeneDx
Classification: Uncertain significance. Last evaluated: 2024-05-28. Review status: criteria provided, single submitter. Criteria: GeneDx Variant Classification Process June 2021. Collection method: clinical testing. Allele origin: germline. Affected: yes.
Comment: Not observed at significant frequency in large population cohorts (gnomAD); In silico analysis supports that this missense variant has a deleterious effect on protein structure/function; Has not been previously published as pathogenic or benign to our knowledge